The following is an entry in ClinVar:

ClinVar aggregate classification (germline): Likely benign (0 of 4 stars; one submission).

Conditions:
DDX54-related disorder. Also called: DDX54-related condition.

Allele frequency attached by ClinVar (database versions not stated): gnomAD 0.00062; TOPMed 0.00065; ESP Exome Variant Server 0.00108; ExAC 0.00262.
gnomAD v4.1: 1,520 of 1,588,978 alleles (0.096%); highest among the groups gnomAD compares: Non-Finnish European, 0.12%; 2 homozygotes.

Submission:

PreventionGenetics, part of Exact Sciences
Classification: Likely benign for DDX54-related condition. Last evaluated: 2019-10-30. Review status: no assertion criteria provided. Collection method: clinical testing. Allele origin: germline.
Comment: This variant is classified as likely benign based on ACMG/AMP sequence variant interpretation guidelines (Richards et al. 2015 PMID: 25741868, with internal and published modifications).

NM_024072.4(DDX54):c.1728T>C (p.Phe576=)

Gene: DDX54 (DEAD-box helicase 54; minus strand). Cytogenetic location: 12q24.13.
Variant type: single nucleotide variant.
Coding change: c.1728T>C on transcript NM_024072.4 (MANE Select); coding-DNA position 1728, T replaced by C.
Protein change: p.Phe576=; no amino-acid change (phenylalanine 576 retained).
Molecular consequence: synonymous variant.
Genome position (GRCh38, 1-based): chr12:113,164,277, A>G on the plus strand (T>C on the coding strand, the complement: DDX54 is on the minus strand). VCF-style: chr12-113164277-A-G. GRCh37 (hg19) VCF-style: chr12-113602082-A-G.
Other names: c.1728T>C, p.Phe576= (NM_001111322.2).
Identifiers: ClinVar variation 3046125 (VCV003046125.2), dbSNP rs148830136, ClinGen allele CA6803504.